The following is an entry in ClinVar:

ClinVar aggregate classification (germline): Uncertain significance. Review status: criteria provided, single submitter (1 of 4 stars). 2 submissions from 2 submitters: Uncertain significance (1). 1 of the submissions does not count toward it. Last evaluated 2019-05-23.

Conditions:
Cardiac arrhythmia. Also called: Arrhythmia; Cardiac rhythm disease. Identifiers: MedGen C0003811, MONDO:0007263, HP:0011675.
KCNQ1-related disorder. Also called: KCNQ1-related disorders; KCNQ1-related condition. Identifiers: MedGen CN239322.

Allele frequency attached by ClinVar (database versions not stated): gnomAD exomes 0.00001.
gnomAD v4.1: 7 of 1,540,320 alleles (0.00045%); highest among the groups gnomAD compares: Non-Finnish European, 0.00061%; no homozygotes.

Submissions (2):

Color Diagnostics, LLC DBA Color Health
Classification: Uncertain significance for Cardiac arrhythmia. Last evaluated: 2019-05-23. Review status: criteria provided, single submitter. Criteria: ACMG Guidelines, 2015. Collection method: clinical testing. Allele origin: germline.
Comment: This variant is located in the 3' untranslated region of the KCNQ1 gene. To our knowledge, functional assays have not been performed for this variant nor has this variant been reported in individuals affected with cardiovascular disorders in the literature. This variant has been identified in 1/31354 chromosomes in the general population by the Genome Aggregation Database (gnomAD). Available evidence is insufficient to determine the role of this variant in disease conclusively. Therefore, this variant is classified as a Variant of Uncertain Significance.

PreventionGenetics, part of Exact Sciences
Classification: Likely benign for KCNQ1-related condition. Last evaluated: 2021-03-31. Review status: no assertion criteria provided. Collection method: clinical testing. Allele origin: germline. Not counted in ClinVar's aggregate classification.
Comment: This variant is classified as likely benign based on ACMG/AMP sequence variant interpretation guidelines (Richards et al. 2015 PMID: 25741868, with internal and published modifications).

NM_000218.3(KCNQ1):c.*4G>A

Genes: KCNQ1-AS1 (KCNQ1 antisense RNA 1; minus strand), KCNQ1 (potassium voltage-gated channel subfamily Q member 1; plus strand). Cytogenetic location: 11p15.4.
Variant type: single nucleotide variant.
Coding change: c.*4G>A on transcript NM_000218.3 (MANE Select); 4 bases downstream of the stop codon, G replaced by A.
Molecular consequence: 3 prime UTR variant.
Genome position (GRCh38, 1-based): chr11:2,848,007, G>A. VCF-style: chr11-2848007-G-A. GRCh37 (hg19) VCF-style: chr11-2869237-G-A.
Other names: c.*4G>A (NM_001406836.1, NM_001406837.1, NM_001406838.1 and 2 more transcripts).
Identifiers: ClinVar variation 918270 (VCV000918270.8), dbSNP rs1157661362, ClinGen allele CA597114354.